The following is an entry in ClinVar:

ClinVar aggregate classification (germline): Uncertain significance. Review status: criteria provided, multiple submitters, no conflicts (2 of 4 stars). 2 submissions from 2 submitters: Uncertain significance (2). Last evaluated 2025-08-23.

Conditions:
Inborn genetic diseases. Identifiers: MedGen C0950123, MeSH D030342.

Allele frequency attached by ClinVar (database versions not stated): TOPMed below 0.00001; ExAC 0.00001; gnomAD 0.00001; gnomAD exomes 0.00001.
gnomAD v4.1: 10 of 1,604,540 alleles (0.00062%); highest among the groups gnomAD compares: East Asian, 0.02%; no homozygotes.

Submissions (2):

Ambry Genetics
Classification: Uncertain significance for Inborn genetic diseases. Last evaluated: 2025-08-23. Review status: criteria provided, single submitter. Criteria: Ambry Variant Classification Scheme 2023. Collection method: clinical testing. Allele origin: germline.

Labcorp Genetics (formerly Invitae), Labcorp
Classification: Uncertain significance. Last evaluated: 2022-05-05. Review status: criteria provided, single submitter. Criteria: Invitae Variant Classification Sherloc (09022015). Collection method: clinical testing. Allele origin: germline.
Comment: This sequence change replaces glycine, which is neutral and non-polar, with aspartic acid, which is acidic and polar, at codon 165 of the PEPD protein (p.Gly165Asp). The frequency data for this variant in the population databases is considered unreliable, as metrics indicate poor data quality at this position in the gnomAD database. This variant has not been reported in the literature in individuals affected with PEPD-related conditions. Algorithms developed to predict the effect of missense changes on protein structure and function are either unavailable or do not agree on the potential impact of this missense change (SIFT: "Deleterious"; PolyPhen-2: "Benign"; Align-GVGD: "Class C0"). In summary, the available evidence is currently insufficient to determine the role of this variant in disease. Therefore, it has been classified as a Variant of Uncertain Significance.

NM_000285.4(PEPD):c.494G>A (p.Gly165Asp)

Gene: PEPD (peptidase D; minus strand). Cytogenetic location: 19q13.11.
Variant type: single nucleotide variant.
Coding change: c.494G>A on transcript NM_000285.4 (MANE Select); coding-DNA position 494, G replaced by A.
Protein change: p.Gly165Asp; replaces glycine 165 with aspartic acid.
Molecular consequence: missense variant.
Genome position (GRCh38, 1-based): chr19:33,490,005, C>T on the plus strand (G>A on the coding strand, the complement: PEPD is on the minus strand). VCF-style: chr19-33490005-C-T. GRCh37 (hg19) VCF-style: chr19-33980911-C-T.
Other names: c.494G>A, p.Gly165Asp (NM_001166056.2); c.302G>A, p.Gly101Asp (NM_001166057.2); short protein forms G101D, G165D.
Identifiers: ClinVar variation 2072822 (VCV002072822.3), dbSNP rs768768872, ClinGen allele CA9364301.
Genomic context (GRCh38, chr19:33,490,005, plus strand): 5'-GGTGGGAGTGGGGGATGGTGGGGAAAGAGTCCCTGGGGGCCCAGGACTCACTTGCTGATG[C>T]CGTCAAAGGAGGCCTCCCTGCAGACACTGCCGCTGTCCGTGTTGACGCCACGCTGGGGAG-3'
Protein context (NP_000276.2, residues 155-175): GSVCREASFD[Gly165Asp]ISKFEVNNTI